The following is an entry in ClinVar:

ClinVar aggregate classification (germline): Conflicting classifications of pathogenicity. Review status: criteria provided, conflicting classifications (1 of 4 stars). 4 submissions from 4 submitters: Uncertain significance (3); Likely benign (1). Last evaluated 2024-01-02.

Conditions:
Congenital stationary night blindness 1E. Also called: Night blindness, congenital stationary (complete), 1E, autosomal recessive. Identifiers: Orphanet 215, MedGen C3281215, MONDO:0013807, OMIM 614565.
Inborn genetic diseases. Identifiers: MedGen C0950123, MeSH D030342.

Allele frequency attached by ClinVar (database versions not stated): gnomAD exomes 0.00003 and 0.00004; ExAC 0.00005; ESP Exome Variant Server 0.00016; TOPMed 0.00029; gnomAD 0.00032 and 0.00034; 1000 Genomes Project 0.00040; 1000 Genomes Project 30x 0.00047.

Submissions (4):

Labcorp Genetics (formerly Invitae), Labcorp
Classification: Uncertain significance. Last evaluated: 2024-01-02. Review status: criteria provided, single submitter. Criteria: Invitae Variant Classification Sherloc (09022015). Collection method: clinical testing. Allele origin: germline.
Comment: This sequence change replaces serine, which is neutral and polar, with leucine, which is neutral and non-polar, at codon 1251 of the GPR179 protein (p.Ser1251Leu). This variant is present in population databases (rs368643450, gnomAD 0.07%). This variant has not been reported in the literature in individuals affected with GPR179-related conditions. ClinVar contains an entry for this variant (Variation ID: 1505362). Algorithms developed to predict the effect of missense changes on protein structure and function output the following: SIFT: "Not Available"; PolyPhen-2: "Benign"; Align-GVGD: "Not Available". The leucine amino acid residue is found in multiple mammalian species, which suggests that this missense change does not adversely affect protein function. In summary, the available evidence is currently insufficient to determine the role of this variant in disease. Therefore, it has been classified as a Variant of Uncertain Significance.

Blueprint Genetics
Classification: Likely benign. Last evaluated: 2023-09-14. Review status: criteria provided, single submitter. Criteria: ACMG Guidelines, 2015. Collection method: clinical testing. Allele origin: germline.

Fulgent Genetics
Classification: Uncertain significance for Congenital stationary night blindness 1E. Last evaluated: 2021-07-28. Review status: criteria provided, single submitter. Criteria: ACMG Guidelines, 2015. Collection method: clinical testing. Allele origin: unknown.

Ambry Genetics
Classification: Uncertain significance for Inborn genetic diseases. Last evaluated: 2021-06-21. Review status: criteria provided, single submitter. Criteria: Ambry Variant Classification Scheme 2023. Collection method: clinical testing. Allele origin: germline.

NM_001004334.4(GPR179):c.3752C>T (p.Ser1251Leu)

Gene: GPR179 (G protein-coupled receptor 179; minus strand). Cytogenetic location: 17q12.
Variant type: single nucleotide variant.
Coding change: c.3752C>T on transcript NM_001004334.4 (MANE Select); coding-DNA position 3752, C replaced by T.
Protein change: p.Ser1251Leu; replaces serine 1251 with leucine.
Molecular consequence: missense variant.
Genome position (GRCh38, 1-based): chr17:38,329,817, G>A on the plus strand (C>T on the coding strand, the complement: GPR179 is on the minus strand). VCF-style: chr17-38329817-G-A. GRCh37 (hg19) VCF-style: chr17-36485700-G-A.
Other names: c.3752C>T (NM_001004334.2); short protein forms S1251L.
Identifiers: ClinVar variation 1505362 (VCV001505362.7), dbSNP rs368643450, ClinGen allele CA290104812.